The following is an entry in ClinVar:

NM_000260.4(MYO7A):c.3865G>A (p.Asp1289Asn)

Gene: MYO7A (myosin VIIA; plus strand). Cytogenetic location: 11q13.5.
Variant type: single nucleotide variant.
Coding change: c.3865G>A on transcript NM_000260.4 (MANE Select); coding-DNA position 3865, G replaced by A.
Protein change: p.Asp1289Asn; replaces aspartic acid 1289 with asparagine.
Molecular consequence: missense variant.
Genome position (GRCh38, 1-based): chr11:77,190,811, G>A. VCF-style: chr11-77190811-G-A. GRCh37 (hg19) VCF-style: chr11-76901856-G-A.
Other names: c.3865G>A, p.Asp1289Asn (NM_001127180.2); c.3832G>A, p.Asp1278Asn (NM_001369365.1); short protein forms D1289N, D1278N.
Identifiers: ClinVar variation 853196 (VCV000853196.11), dbSNP rs371221562, ClinGen allele CA6198224.

ClinVar aggregate classification (germline): Uncertain significance. Review status: criteria provided, multiple submitters, no conflicts (2 of 4 stars). 4 submissions from 4 submitters: Uncertain significance (3). 1 of the submissions does not count toward it. Last evaluated 2025-03-17.

Conditions:
MYO7A-related disorder. Also called: MYO7A-related disorders.
Usher syndrome type 1B (USH1B). Also called: Usher syndrome type IB. Identifiers: MedGen C1848638, MONDO:0700087.

Allele frequency attached by ClinVar (database versions not stated): gnomAD exomes below 0.00001; TOPMed 0.00001; ExAC 0.00004; gnomAD 0.00004; ESP Exome Variant Server 0.00008.
gnomAD v4.1: 37 of 1,591,188 alleles (0.0023%); highest among the groups gnomAD compares: Non-Finnish European, 0.0028%; no homozygotes.

Submissions (4):

Labcorp Genetics (formerly Invitae), Labcorp
Classification: Uncertain significance. Last evaluated: 2025-03-17. Review status: criteria provided, single submitter. Criteria: Invitae Variant Classification Sherloc (09022015). Collection method: clinical testing. Allele origin: germline.
Comment: This sequence change replaces aspartic acid, which is acidic and polar, with asparagine, which is neutral and polar, at codon 1289 of the MYO7A protein (p.Asp1289Asn). The frequency data for this variant in the population databases is considered unreliable, as metrics indicate poor data quality at this position in the gnomAD database. This variant has not been reported in the literature in individuals affected with MYO7A-related conditions. ClinVar contains an entry for this variant (Variation ID: 853196). Invitae Evidence Modeling of protein sequence and biophysical properties (such as structural, functional, and spatial information, amino acid conservation, physicochemical variation, residue mobility, and thermodynamic stability) indicates that this missense variant is not expected to disrupt MYO7A protein function with a negative predictive value of 95%. In summary, the available evidence is currently insufficient to determine the role of this variant in disease. Therefore, it has been classified as a Variant of Uncertain Significance.

PreventionGenetics, part of Exact Sciences
Classification: Uncertain significance for MYO7A-related condition. Last evaluated: 2024-11-20. Review status: criteria provided, single submitter. Criteria: ACMG Guidelines, 2015. Collection method: clinical testing. Allele origin: germline.
Comment: The MYO7A c.3865G>A variant is predicted to result in the amino acid substitution p.Asp1289Asn. To our knowledge, this variant has not been reported in the literature. This variant is reported in 0.0048% of alleles in individuals of African descent in gnomAD. At this time, the clinical significance of this variant is uncertain due to the absence of conclusive functional and genetic evidence.

Blueprint Genetics
Classification: Uncertain significance. Last evaluated: 2024-10-24. Review status: criteria provided, single submitter. Criteria: ACMG Guidelines, 2015. Collection method: clinical testing. Allele origin: germline.

Natera, Inc.
Classification: Uncertain significance for Usher syndrome type 1B. Last evaluated: 2020-03-18. Review status: no assertion criteria provided. Collection method: clinical testing. Allele origin: germline. Not counted in ClinVar's aggregate classification.